The following is an entry in ClinVar:

NM_001077350.3(NPRL3):c.431del (p.Asn144fs)

Genes: HBA-LCR (alpha-globin locus control region; plus strand), NPRL3 (NPR3 like, GATOR1 complex subunit; minus strand). Cytogenetic location: 16p13.3.
Variant type: Deletion.
Coding change: c.431del on transcript NM_001077350.3 (MANE Select); coding-DNA position 431, one base deleted (A; older notation c.431delA).
Protein change: p.Asn144fs; shifts the reading frame from asparagine 144.
Molecular consequence: frameshift variant. On other transcripts: 5 prime UTR variant (1).
Genome position (GRCh38, 1-based): chr16:112,738, T deleted on the plus strand (A on the coding strand, the reverse complement: NPRL3 is on the minus strand); the first of 2 consecutive T bases (chr16:112,738-112,739); deleting either gives the same sequence. VCF-style (leftmost placement, unchanged base first): chr16-112737-GT-G. GRCh37 (hg19) VCF-style: chr16-162736-GT-G.
Other names: c.-107del (NM_001039476.3); c.197del, p.Asn66fs (NM_001243247.2); c.356del, p.Asn119fs (NM_001243248.2, NM_001243249.2); short protein forms N119fs, N144fs, N66fs.
Identifiers: ClinVar variation 4733792 (VCV004733792.1).

ClinVar aggregate classification (germline): Pathogenic (1 of 4 stars; one submission).

Conditions:
Epilepsy, familial focal, with variable foci 3 (FFEVF3). Identifiers: MedGen C4310708, MONDO:0014925, OMIM 617118.

Submission:

Labcorp Genetics (formerly Invitae), Labcorp
Classification: Pathogenic for Epilepsy, familial focal, with variable foci 3. Last evaluated: 2025-12-21. Review status: criteria provided, single submitter. Criteria: Invitae Variant Classification Sherloc (09022015). Collection method: clinical testing. Allele origin: germline.
Comment: This sequence change creates a premature translational stop signal (p.Asn144Thrfs*26) in the NPRL3 gene. It is expected to result in an absent or disrupted protein product. Loss-of-function variants in NPRL3 are known to be pathogenic (PMID: 26285051, 26505888). This variant is not present in population databases (gnomAD no frequency). This variant has not been reported in the literature in individuals affected with NPRL3-related conditions. For these reasons, this variant has been classified as Pathogenic.

Literature cited by the submitters: PubMed 26285051; PubMed 26505888.